The following is an entry in ClinVar:

ClinVar aggregate classification (germline): Uncertain significance (1 of 4 stars; one submission).

Conditions:
Autosomal recessive polycystic kidney disease (ARPKD). Also called: AR polycystic kidney disease. Identifiers: Orphanet 731, Orphanet 8378, MedGen C0085548, MeSH D017044, MONDO:0009889.

Submission:

Labcorp Genetics (formerly Invitae), Labcorp
Classification: Uncertain significance for Autosomal recessive polycystic kidney disease. Last evaluated: 2017-06-16. Review status: criteria provided, single submitter. Criteria: Invitae Variant Classification Sherloc (09022015). Collection method: clinical testing. Allele origin: germline.
Comment: In summary, this variant has uncertain impact on PKHD1 function. The available evidence is currently insufficient to determine its role in disease. Therefore, it has been classified as a Variant of Uncertain Significance. Algorithms developed to predict the effect of missense changes on protein structure and function do not agree on the potential impact of this missense change (SIFT: "Deleterious"; PolyPhen-2: "Probably Damaging"; Align-GVGD: "Class C0"). This variant has not been reported in the literature in individuals with a PKHD1-related disease. This variant is not present in population databases (ExAC no frequency). This sequence change replaces glycine with alanine at codon 3242 of the PKHD1 protein (p.Gly3242Ala). The glycine residue is moderately conserved and there is a small physicochemical difference between glycine and alanine.

NM_138694.4(PKHD1):c.9725G>C (p.Gly3242Ala)

Gene: PKHD1 (PKHD1 ciliary IPT domain containing fibrocystin/polyductin; minus strand). Cytogenetic location: 6p12.3.
Variant type: single nucleotide variant.
Coding change: c.9725G>C on transcript NM_138694.4 (MANE Select); coding-DNA position 9725, G replaced by C.
Protein change: p.Gly3242Ala; replaces glycine 3242 with alanine.
Molecular consequence: missense variant.
Genome position (GRCh38, 1-based): chr6:51,747,891, C>G on the plus strand (G>C on the coding strand, the complement: PKHD1 is on the minus strand). VCF-style: chr6-51747891-C-G. GRCh37 (hg19) VCF-style: chr6-51612689-C-G.
Other names: c.9725G>C, p.Gly3242Ala (NM_170724.3); short protein forms G3242A.
Identifiers: ClinVar variation 458609 (VCV000458609.9), dbSNP rs886044327, ClinGen allele CA364420412.